The following is an entry in ClinVar:

ClinVar aggregate classification (germline): Uncertain significance (1 of 4 stars; one submission).

Conditions:
Intellectual disability, X-linked 49 (MRXSRC). Also called: MRX49; CLCN4-Related Neurodevelopmental Disorder; MENTAL RETARDATION, X-LINKED 15; CLCN4-related X-linked intellectual disability syndrome; RAYNAUD-CLAES SYNDROME. Identifiers: Orphanet 485350, Orphanet 777, MedGen C0796221, MONDO:0010250, OMIM 300114.

Submission:

Victorian Clinical Genetics Services, Murdoch Childrens Research Institute
Classification: Uncertain significance for Intellectual disability, X-linked 49. Last evaluated: 2023-07-16. Review status: criteria provided, single submitter. Criteria: ACMG Guidelines, 2015. Collection method: clinical testing. Allele origin: germline. Inheritance: X-linked dominant inheritance. Affected: yes.
Comment: Based on the classification scheme VCGS_Germline_v1.3.4, this variant is classified as VUS-3A. Following criteria are met: 0102 - Loss of function is a known mechanism of disease in this gene and is associated with Raynaud-Claes syndrome (MIM#300114). (I) 0110 - This gene is associated with X-linked dominant disease (OMIM, PMID: 27550844). However, incomplete penetrance has been reported in females, possibly due to skewed X-inactivation (PMID: 27550844). (I) 0115 - Variants in this gene are known to have variable expressivity (PMID: 27550844). (I) 0200 - Variant is predicted to result in a missense amino acid change from leucine to proline. (I) 0253 - This variant is hemizygous. (I) 0301 - Variant is absent from gnomAD (both v2 and v3). (SP) 0501 - Missense variant consistently predicted to be damaging by multiple in silico tools or highly conserved with a major amino acid change. (SP) 0600 - Variant is located in the annotated voltage gated chlorine channel domain (DECIPHER). (I) 0705 - No comparable missense variants have previous evidence for pathogenicity. (I) 0807 - This variant has no previous evidence of pathogenicity. (I) 0905 - No published segregation evidence has been identified for this variant. (I) 1007 - No published functional evidence has been identified for this variant. (I) 1208 - Inheritance information for this variant is not currently available in this individual. (I) Legend: (SP) - Supporting pathogenic, (I) - Information, (SB) - Supporting benign

Literature cited by the submitters: PubMed 27550844.

NM_001830.4(CLCN4):c.914T>C (p.Leu305Pro)

Gene: CLCN4 (Cl-/H+ antiporter 4; plus strand). Cytogenetic location: Xp22.2.
Variant type: single nucleotide variant.
Coding change: c.914T>C on transcript NM_001830.4 (MANE Select); coding-DNA position 914, T replaced by C.
Protein change: p.Leu305Pro; replaces leucine 305 with proline.
Molecular consequence: missense variant.
Genome position (GRCh38, 1-based): chrX:10,208,115, T>C. VCF-style: chrX-10208115-T-C. GRCh37 (hg19) VCF-style: chrX-10176155-T-C.
Other names: c.632T>C, p.Leu211Pro (NM_001256944.2); short protein forms L211P, L305P.
Identifiers: ClinVar variation 1805903 (VCV001805903.2), dbSNP rs2518885314, ClinGen allele CA412037437.
Genomic context (GRCh38, chrX:10,208,115, plus strand): 5'-ACTTTCCCCTGAAGACCTTGTGGAGGTCATTTTTCGCAGCCCTGGTGGCGGCCTTTACGC[T>C]GAGATCCATCAATCCCTTTGGGAATAGCCGTCTCGTTCTCTTTTATGTGGAATACCACAC-3'
Protein context (NP_001821.2, residues 295-315): FFAALVAAFT[Leu305Pro]RSINPFGNSR